The following is an entry in ClinVar:

NM_000441.2(SLC26A4):c.1947C>T (p.Asn649=)

Gene: SLC26A4 (solute carrier family 26 member 4; plus strand). Cytogenetic location: 7q22.3.
Variant type: single nucleotide variant.
Coding change: c.1947C>T on transcript NM_000441.2 (MANE Select); coding-DNA position 1947, C replaced by T.
Protein change: p.Asn649=; no amino-acid change (asparagine 649 retained).
Molecular consequence: synonymous variant.
Genome position (GRCh38, 1-based): chr7:107,701,970, C>T. VCF-style: chr7-107701970-C-T. GRCh37 (hg19) VCF-style: chr7-107342415-C-T.
Identifiers: ClinVar variation 227951 (VCV000227951.15), dbSNP rs761139326, ClinGen allele CA4432988.

ClinVar aggregate classification (germline): Likely benign. Review status: criteria provided, multiple submitters, no conflicts (2 of 4 stars). 2 submissions from 2 submitters: Likely benign (2). Last evaluated 2024-04-24.

Allele frequency attached by ClinVar (database versions not stated): ExAC 0.00001; gnomAD exomes 0.00009; TOPMed 0.00012; gnomAD 0.00016 and 0.00017.
gnomAD v4.1: 54 of 1,613,744 alleles (0.0033%); highest among the groups gnomAD compares: Admixed American, 0.063%; no homozygotes.

Submissions (2):

Labcorp Genetics (formerly Invitae), Labcorp
Classification: Likely benign. Last evaluated: 2024-04-24. Review status: criteria provided, single submitter. Criteria: Invitae Variant Classification Sherloc (09022015). Collection method: clinical testing. Allele origin: germline.

Laboratory for Molecular Medicine, Mass General Brigham Personalized Medicine
Classification: Likely benign. Last evaluated: 2016-01-19. Review status: criteria provided, single submitter. Criteria: LMM Criteria. Collection method: clinical testing. Allele origin: germline. Observed: 1 variant allele.
Comment: p.Asn649Asn in exon 17 of SLC26A4: This variant is not expected to have clinical significance because it does not alter an amino acid residue and is not located within the splice consensus sequence. It has been identified in 1/11530 Latino chromosomes by the Exome Aggregation Consortium (ExAC; dbSNP rs761139326).